The following is an entry in ClinVar:

ClinVar aggregate classification (germline): Uncertain significance (1 of 4 stars; one submission).

Conditions:
Wolman disease (WOLD). Also called: Acid cholesteryl ester hydrolase deficiency, Wolman type; Acid lipase disease; LYSOSOMAL ACID LIPASE DEFICIENCY, ACUTE INFANTILE; LYSOSOMAL ACID LIPASE DEFICIENCY, COMPLETE; LIPA DEFICIENCY, COMPLETE; LAL DEFICIENCY, COMPLETE. Identifiers: Orphanet 75233, MedGen C0043208, MONDO:0019148, OMIM 620151.

Allele frequency attached by ClinVar (database versions not stated): gnomAD exomes 0.00001; gnomAD 0.00002; TOPMed below 0.00001; ExAC 0.00002.
gnomAD v4.1: 17 of 1,613,986 alleles (0.0011%); highest among the groups gnomAD compares: Admixed American, 0.02%; no homozygotes.

Submission:

Labcorp Genetics (formerly Invitae), Labcorp
Classification: Uncertain significance for Wolman disease. Last evaluated: 2024-01-08. Review status: criteria provided, single submitter. Criteria: Invitae Variant Classification Sherloc (09022015). Collection method: clinical testing. Allele origin: germline.
Comment: This sequence change replaces glycine, which is neutral and non-polar, with aspartic acid, which is acidic and polar, at codon 343 of the LIPA protein (p.Gly343Asp). This variant is present in population databases (rs780007692, gnomAD 0.03%). This variant has not been reported in the literature in individuals affected with LIPA-related conditions. ClinVar contains an entry for this variant (Variation ID: 2077014). Advanced modeling of protein sequence and biophysical properties (such as structural, functional, and spatial information, amino acid conservation, physicochemical variation, residue mobility, and thermodynamic stability) performed at Invitae indicates that this missense variant is not expected to disrupt LIPA protein function with a negative predictive value of 80%. In summary, the available evidence is currently insufficient to determine the role of this variant in disease. Therefore, it has been classified as a Variant of Uncertain Significance.

NM_000235.4(LIPA):c.1028G>A (p.Gly343Asp)

Gene: LIPA (lipase A, lysosomal acid type; minus strand). Cytogenetic location: 10q23.31.
Variant type: single nucleotide variant.
Coding change: c.1028G>A on transcript NM_000235.4 (MANE Select); coding-DNA position 1028, G replaced by A.
Protein change: p.Gly343Asp; replaces glycine 343 with aspartic acid.
Molecular consequence: missense variant.
Genome position (GRCh38, 1-based): chr10:89,215,000, C>T on the plus strand (G>A on the coding strand, the complement: LIPA is on the minus strand). VCF-style: chr10-89215000-C-T. GRCh37 (hg19) VCF-style: chr10-90974757-C-T.
Other names: c.1028G>A, p.Gly343Asp (NM_001127605.3); c.680G>A, p.Gly227Asp (NM_001288979.2); short protein forms G343D, G227D.
Identifiers: ClinVar variation 2077014 (VCV002077014.2), dbSNP rs780007692, ClinGen allele CA5593526.